The following is an entry in ClinVar:

NM_014159.7(SETD2):c.308C>T (p.Pro103Leu)

Gene: SETD2 (SET domain containing 2, histone lysine methyltransferase; minus strand). Cytogenetic location: 3p21.31.
Variant type: single nucleotide variant.
Coding change: c.308C>T on transcript NM_014159.7 (MANE Select); coding-DNA position 308, C replaced by T.
Protein change: p.Pro103Leu; replaces proline 103 with leucine.
Molecular consequence: missense variant. On other transcripts: non-coding transcript variant (1).
Genome position (GRCh38, 1-based): chr3:47,124,328, G>A on the plus strand (C>T on the coding strand, the complement: SETD2 is on the minus strand). VCF-style: chr3-47124328-G-A. GRCh37 (hg19) VCF-style: chr3-47165818-G-A.
Other names: c.176C>T, p.Pro59Leu (NM_001349370.3); short protein forms P103L, P59L.
Identifiers: ClinVar variation 4776975 (VCV004776975.1).

ClinVar aggregate classification (germline): Uncertain significance (1 of 4 stars; one submission).

Conditions:
Luscan-Lumish syndrome. Identifiers: Orphanet 597738, MedGen C4085873, MONDO:0014791, OMIM 616831.

gnomAD v4.1: 1 of 1,551,794 alleles (0.000064%); no homozygotes.

Submission:

Labcorp Genetics (formerly Invitae), Labcorp
Classification: Uncertain significance for Luscan-Lumish syndrome. Last evaluated: 2025-09-21. Review status: criteria provided, single submitter. Criteria: Invitae Variant Classification Sherloc (09022015). Collection method: clinical testing. Allele origin: germline.
Comment: This sequence change replaces proline, which is neutral and non-polar, with leucine, which is neutral and non-polar, at codon 103 of the SETD2 protein (p.Pro103Leu). This variant is not present in population databases (gnomAD no frequency). This variant has not been reported in the literature in individuals affected with SETD2-related conditions. Invitae Evidence Modeling of protein sequence and biophysical properties (such as structural, functional, and spatial information, amino acid conservation, physicochemical variation, residue mobility, and thermodynamic stability) indicates that this missense variant is not expected to disrupt SETD2 protein function with a negative predictive value of 80%. In summary, the available evidence is currently insufficient to determine the role of this variant in disease. Therefore, it has been classified as a Variant of Uncertain Significance.